The following is an entry in ClinVar:

ClinVar aggregate classification (germline): Uncertain significance. Review status: criteria provided, multiple submitters, no conflicts (2 of 4 stars). 2 submissions from 2 submitters: Uncertain significance (2). Last evaluated 2025-05-26.

Conditions:
Inborn genetic diseases. Identifiers: MedGen C0950123, MeSH D030342.

Allele frequency attached by ClinVar (database versions not stated): gnomAD exomes below 0.00001 and 0.00001; ExAC 0.00001; TOPMed 0.00002; gnomAD 0.00003.
gnomAD v4.1: 20 of 1,613,778 alleles (0.0012%); highest among the groups gnomAD compares: Non-Finnish European, 0.0017%; no homozygotes.

Submissions (2):

Ambry Genetics
Classification: Uncertain significance for Inborn genetic diseases. Last evaluated: 2025-05-26. Review status: criteria provided, single submitter. Criteria: Ambry Variant Classification Scheme 2023. Collection method: clinical testing. Allele origin: germline.

Labcorp Genetics (formerly Invitae), Labcorp
Classification: Uncertain significance. Last evaluated: 2021-04-16. Review status: criteria provided, single submitter. Criteria: Invitae Variant Classification Sherloc (09022015). Collection method: clinical testing. Allele origin: germline.
Comment: In summary, the available evidence is currently insufficient to determine the role of this variant in disease. Therefore, it has been classified as a Variant of Uncertain Significance. Algorithms developed to predict the effect of missense changes on protein structure and function are either unavailable or do not agree on the potential impact of this missense change (SIFT: "Deleterious"; PolyPhen-2: "Probably Damaging"; Align-GVGD: "Class C0"). This variant has not been reported in the literature in individuals with GTPBP3-related conditions. This variant is present in population databases (rs748603300, ExAC 0.002%). This sequence change replaces threonine with arginine at codon 169 of the GTPBP3 protein (p.Thr169Arg). The threonine residue is highly conserved and there is a moderate physicochemical difference between threonine and arginine.

NM_032620.4(GTPBP3):c.506C>G (p.Thr169Arg)

Gene: GTPBP3 (GTP binding protein 3, mitochondrial; plus strand). Cytogenetic location: 19p13.11.
Variant type: single nucleotide variant.
Coding change: c.506C>G on transcript NM_032620.4 (MANE Select); coding-DNA position 506, C replaced by G.
Protein change: p.Thr169Arg; replaces threonine 169 with arginine.
Molecular consequence: missense variant.
Genome position (GRCh38, 1-based): chr19:17,338,656, C>G. VCF-style: chr19-17338656-C-G. GRCh37 (hg19) VCF-style: chr19-17449465-C-G.
Other names: c.506C>G, p.Thr169Arg (NM_001128855.3, NM_133644.4); c.572C>G, p.Thr191Arg (NM_001195422.1); c.506C>G (NM_133644.3); short protein forms T191R, T169R.
Identifiers: ClinVar variation 1403608 (VCV001403608.9), dbSNP rs748603300, ClinGen allele CA9293378.